The following is an entry in ClinVar:

NM_000199.5(SGSH):c.733C>A (p.Arg245Ser)

Gene: SGSH (N-sulfoglucosamine sulfohydrolase; minus strand). Cytogenetic location: 17q25.3.
Variant type: single nucleotide variant.
Coding change: c.733C>A on transcript NM_000199.5 (MANE Select); coding-DNA position 733, C replaced by A.
Protein change: p.Arg245Ser; replaces arginine 245 with serine.
Molecular consequence: missense variant. On other transcripts: non-coding transcript variant (1).
Genome position (GRCh38, 1-based): chr17:80,213,816, G>T on the plus strand (C>A on the coding strand, the complement: SGSH is on the minus strand). VCF-style: chr17-80213816-G-T. GRCh37 (hg19) VCF-style: chr17-78187615-G-T.
Other names: c.733C>A, p.Arg245Ser (NM_001352921.3, NM_001352922.2); short protein forms R245S.
Identifiers: ClinVar variation 2791543 (VCV002791543.3), dbSNP rs1455698449, ClinGen allele CA401361138.

ClinVar aggregate classification (germline): Likely pathogenic (1 of 4 stars; one submission).

Conditions:
Mucopolysaccharidosis, MPS-III-A (MPS3A). Also called: Mucopolysaccharidosis type IIIA (Sanfilippo A); Mucopolysaccharidosis, type IIIA; mucopolysaccharidosis type 3A; MPS IIIA (Sanfilippo Syndrome Type A); HEPARAN SULFATE SULFATASE DEFICIENCY; SANFILIPPO SYNDROME A. Identifiers: Orphanet 581, Orphanet 79269, MedGen C0086647, MONDO:0009655, OMIM 252900.

Submission:

Labcorp Genetics (formerly Invitae), Labcorp
Classification: Likely pathogenic for Mucopolysaccharidosis, MPS-III-A. Last evaluated: 2022-11-29. Review status: criteria provided, single submitter. Criteria: Invitae Variant Classification Sherloc (09022015). Collection method: clinical testing. Allele origin: germline.
Comment: In summary, the currently available evidence indicates that the variant is pathogenic, but additional data are needed to prove that conclusively. Therefore, this variant has been classified as Likely Pathogenic. This sequence change replaces arginine, which is basic and polar, with serine, which is neutral and polar, at codon 245 of the SGSH protein (p.Arg245Ser). This variant is not present in population databases (gnomAD no frequency). This variant has not been reported in the literature in individuals affected with SGSH-related conditions. Advanced modeling of protein sequence and biophysical properties (such as structural, functional, and spatial information, amino acid conservation, physicochemical variation, residue mobility, and thermodynamic stability) performed at Invitae indicates that this missense variant is expected to disrupt SGSH protein function. This variant disrupts the p.Arg245 amino acid residue in SGSH. Other variant(s) that disrupt this residue have been determined to be pathogenic (PMID: 9158154, 9700599, 10601282, 15146460, 26331342). This suggests that this residue is clinically significant, and that variants that disrupt this residue are likely to be disease-causing.

Literature cited by the submitters: PubMed 9158154; PubMed 9700599; PubMed 10601282; PubMed 15146460; PubMed 26331342.